The following is an entry in ClinVar:

ClinVar aggregate classification (germline): Uncertain significance (1 of 4 stars; one submission).

Allele frequency attached by ClinVar (database versions not stated): gnomAD 0.00001; ExAC 0.00002; ESP Exome Variant Server 0.00008.

Submission:

Labcorp Genetics (formerly Invitae), Labcorp
Classification: Uncertain significance. Last evaluated: 2024-04-22. Review status: criteria provided, single submitter. Criteria: Invitae Variant Classification Sherloc (09022015). Collection method: clinical testing. Allele origin: germline.
Comment: This sequence change replaces arginine, which is basic and polar, with serine, which is neutral and polar, at codon 2056 of the HTT protein (p.Arg2056Ser). This variant is present in population databases (rs372362247, gnomAD 0.002%). This variant has not been reported in the literature in individuals affected with HTT-related conditions. ClinVar contains an entry for this variant (Variation ID: 1450834). Experimental studies and prediction algorithms are not available or were not evaluated, and the functional significance of this variant is currently unknown. In summary, the available evidence is currently insufficient to determine the role of this variant in disease. Therefore, it has been classified as a Variant of Uncertain Significance.

NM_001388492.1(HTT):c.6162G>C (p.Arg2054Ser)

Gene: HTT (huntingtin; plus strand). Cytogenetic location: 4p16.3.
Variant type: single nucleotide variant.
Coding change: c.6162G>C on transcript NM_001388492.1 (MANE Select); coding-DNA position 6162, G replaced by C.
Protein change: p.Arg2054Ser; replaces arginine 2054 with serine.
Molecular consequence: missense variant.
Genome position (GRCh38, 1-based): chr4:3,208,782, G>C. VCF-style: chr4-3208782-G-C. GRCh37 (hg19) VCF-style: chr4-3210509-G-C.
Other names: c.6168G>C, p.Arg2056Ser (NM_002111.8); short protein forms R2056S, R2054S.
Identifiers: ClinVar variation 1450834 (VCV001450834.6), dbSNP rs372362247, ClinGen allele CA2824962.